The following is an entry in ClinVar:

NM_001367493.1(ARHGEF4):c.5479+6C>T

Gene: ARHGEF4 (Rho guanine nucleotide exchange factor 4; plus strand). Cytogenetic location: 2q21.1.
Variant type: single nucleotide variant.
Coding change: c.5479+6C>T on transcript NM_001367493.1 (MANE Select); 6 bases into the intron after coding-DNA position 5479, C replaced by T.
Molecular consequence: intron variant.
Genome position (GRCh38, 1-based): chr2:131,045,452, C>T. VCF-style: chr2-131045452-C-T. GRCh37 (hg19) VCF-style: chr2-131803025-C-T.
Other names: NM_032995.2:c.1927C>T; c.1921+6C>T (NM_015320.4); c.1810+6C>T (NM_001375901.1); c.1966+6C>T (NM_001375900.1); c.1768+6C>T (NM_001375902.1); c.1552+6C>T (NM_001375904.1); c.1711+6C>T (NM_001375903.1); c.1300+6C>T (NM_001395416.1).
Identifiers: ClinVar variation 3057837 (VCV003057837.2), dbSNP rs200286229, ClinGen allele CA1875451.

ClinVar aggregate classification (germline): Likely benign (0 of 4 stars; one submission).

Conditions:
ARHGEF4-related disorder. Also called: ARHGEF4-related condition.

Allele frequency attached by ClinVar (database versions not stated): gnomAD 0.00007; ExAC 0.00009; TOPMed 0.00009; ESP Exome Variant Server 0.00015.
gnomAD v4.1: 126 of 1,613,536 alleles (0.0078%); highest among the groups gnomAD compares: Middle Eastern, 0.05%; no homozygotes.

Submission:

PreventionGenetics, part of Exact Sciences
Classification: Likely benign for ARHGEF4-related condition. Last evaluated: 2019-03-15. Review status: no assertion criteria provided. Collection method: clinical testing. Allele origin: germline.
Comment: This variant is classified as likely benign based on ACMG/AMP sequence variant interpretation guidelines (Richards et al. 2015 PMID: 25741868, with internal and published modifications).